The following is an entry in ClinVar:

ClinVar aggregate classification (germline): Conflicting classifications of pathogenicity. Review status: criteria provided, conflicting classifications (1 of 4 stars). 3 submissions from 3 submitters: Uncertain significance (2); Likely benign (1). Last evaluated 2025-09-02.

Allele frequency attached by ClinVar (database versions not stated): TOPMed 0.00002; gnomAD 0.00009; gnomAD exomes 0.00011 and 0.00023; ExAC 0.00034; 1000 Genomes Project 30x 0.00094; 1000 Genomes Project 0.00120.

Submissions (3):

Labcorp Genetics (formerly Invitae), Labcorp
Classification: Likely benign. Last evaluated: 2025-09-02. Review status: criteria provided, single submitter. Criteria: Invitae Variant Classification Sherloc (09022015). Collection method: clinical testing. Allele origin: germline.

Blueprint Genetics
Classification: Uncertain significance. Last evaluated: 2024-09-02. Review status: criteria provided, single submitter. Criteria: ACMG Guidelines, 2015. Collection method: clinical testing. Allele origin: germline.

GeneDx
Classification: Uncertain significance. Last evaluated: 2021-01-21. Review status: criteria provided, single submitter. Criteria: GeneDx Variant Classification Process June 2021. Collection method: clinical testing. Allele origin: germline. Affected: yes.
Comment: In silico analysis supports that this missense variant does not alter protein structure/function; Has not been previously published as pathogenic or benign to our knowledge; This variant is associated with the following publications: (PMID: 30986427)

NM_001235.5(SERPINH1):c.293G>A (p.Ser98Asn)

Gene: SERPINH1 (serpin family H member 1; plus strand). Cytogenetic location: 11q13.5.
Variant type: single nucleotide variant.
Coding change: c.293G>A on transcript NM_001235.5 (MANE Select); coding-DNA position 293, G replaced by A.
Protein change: p.Ser98Asn; replaces serine 98 with asparagine.
Molecular consequence: missense variant.
Genome position (GRCh38, 1-based): chr11:75,566,642, G>A. VCF-style: chr11-75566642-G-A. GRCh37 (hg19) VCF-style: chr11-75277687-G-A.
Other names: c.293G>A, p.Ser98Asn (NM_001207014.3); short protein forms S98N.
Identifiers: ClinVar variation 1316525 (VCV001316525.7), dbSNP rs541595707, ClinGen allele CA6190770.